The following is an entry in ClinVar:

NM_001297.5(CNGB1):c.291-5C>T

Gene: CNGB1 (cyclic nucleotide gated channel subunit beta 1; minus strand). Cytogenetic location: 16q21.
Variant type: single nucleotide variant.
Coding change: c.291-5C>T on transcript NM_001297.5 (MANE Select); 5 bases into the intron before coding-DNA position 291, C replaced by T.
Molecular consequence: intron variant.
Genome position (GRCh38, 1-based): chr16:57,963,069, G>A on the plus strand (C>T on the coding strand, the complement: CNGB1 is on the minus strand). VCF-style: chr16-57963069-G-A. GRCh37 (hg19) VCF-style: chr16-57996973-G-A.
Other names: c.291-5C>T (NM_001297.4, NM_001286130.2, NM_001135639.2).
Identifiers: ClinVar variation 498298 (VCV000498298.18), dbSNP rs372308762, ClinGen allele CA8083900.

ClinVar aggregate classification (germline): Conflicting classifications of pathogenicity. Review status: criteria provided, conflicting classifications (1 of 4 stars). 4 submissions from 4 submitters: Uncertain significance (1); Likely benign (3). Last evaluated 2025-11-27.

Conditions:
CNGB1-related disorder. Also called: CNGB1-related condition.

Allele frequency attached by ClinVar (database versions not stated): gnomAD 0.00004; gnomAD exomes 0.00004; TOPMed 0.00005; ESP Exome Variant Server 0.00008.
gnomAD v4.1: 57 of 1,607,220 alleles (0.0035%); highest among the groups gnomAD compares: Admixed American, 0.0083%; no homozygotes.

Submissions (4):

Labcorp Genetics (formerly Invitae), Labcorp
Classification: Likely benign. Last evaluated: 2025-11-27. Review status: criteria provided, single submitter. Criteria: Invitae Variant Classification Sherloc (09022015). Collection method: clinical testing. Allele origin: germline.

PreventionGenetics, part of Exact Sciences
Classification: Likely benign for CNGB1-related condition. Last evaluated: 2024-10-18. Review status: criteria provided, single submitter. Criteria: ACMG Guidelines, 2015. Collection method: clinical testing. Allele origin: germline.
Comment: This variant is classified as likely benign based on ACMG/AMP sequence variant interpretation guidelines (Richards et al. 2015 PMID: 25741868, with internal and published modifications).

Blueprint Genetics
Classification: Likely benign. Last evaluated: 2018-08-22. Review status: criteria provided, single submitter. Criteria: ACMG Guidelines, 2015. Collection method: clinical testing. Allele origin: germline.

Eurofins Ntd Llc (ga)
Classification: Uncertain significance. Last evaluated: 2016-11-21. Review status: criteria provided, single submitter. Criteria: EGL Classification Definitions 2015. Collection method: clinical testing. Allele origin: germline. Observed: 1 variant allele, 1 heterozygote.